The following is an entry in ClinVar:

NM_178526.5(SLC25A42):c.948_949delinsTT (p.Gln317Ter)

Gene: SLC25A42 (solute carrier family 25 member 42; plus strand). Cytogenetic location: 19p13.11.
Variant type: Indel.
Coding change: c.948_949delinsTT on transcript NM_178526.5 (MANE Select); coding-DNA positions 948 to 949, GC replaced by TT.
Protein change: p.Gln317Ter; replaces glutamine 317 with a stop codon.
Molecular consequence: nonsense.
Genome position (GRCh38, 1-based): chr19:19,110,867-19,110,868, GC replaced by TT. VCF-style: chr19-19110867-GC-TT. GRCh37 (hg19) VCF-style: chr19-19221676-GC-TT.
Other names: c.948_949delinsTT, p.Gln317Ter (NM_001321544.2); short protein forms Q317*.
Identifiers: ClinVar variation 2022331 (VCV002022331.4), dbSNP rs2514117160, ClinGen allele CA2580096764.

ClinVar aggregate classification (germline): Uncertain significance (1 of 4 stars; one submission).

Submission:

Labcorp Genetics (formerly Invitae), Labcorp
Classification: Uncertain significance. Last evaluated: 2022-08-17. Review status: criteria provided, single submitter. Criteria: Invitae Variant Classification Sherloc (09022015). Collection method: clinical testing. Allele origin: germline.
Comment: This sequence change creates a premature translational stop signal (p.Gln317*) in the SLC25A42 gene. While this is not anticipated to result in nonsense mediated decay, it is expected to disrupt the last 2 amino acid(s) of the SLC25A42 protein. Information on the frequency of this variant in the gnomAD database is not available, as this variant may be reported differently in the database. This variant has not been reported in the literature in individuals affected with SLC25A42-related conditions. In summary, the available evidence is currently insufficient to determine the role of this variant in disease. Therefore, it has been classified as a Variant of Uncertain Significance.